The following is an entry in ClinVar:

NM_033380.3(COL4A5):c.40_41del (p.Leu14fs)

Gene: COL4A5 (collagen type IV alpha 5 chain; plus strand). Cytogenetic location: Xq22.3.
Variant type: Deletion.
Coding change: c.40_41del on transcript NM_033380.3 (MANE Select); coding-DNA positions 40 to 41, 2 bases deleted (TT; older notation c.40_41delTT).
Protein change: p.Leu14fs; shifts the reading frame from leucine 14.
Molecular consequence: frameshift variant.
Genome position (GRCh38, 1-based): chrX:108,440,165-108,440,166, TT deleted. VCF-style (leftmost placement, unchanged base first): chrX-108440164-CTT-C. GRCh37 (hg19) VCF-style: chrX-107683394-CTT-C.
Other names: c.40_41del, p.Leu14fs (NM_000495.5); short protein forms L14fs.
Identifiers: ClinVar variation 1724746 (VCV001724746.2), dbSNP rs2523832979, ClinGen allele CA2580100147.

ClinVar aggregate classification (germline): Likely pathogenic (1 of 4 stars; one submission).

Conditions:
X-linked Alport syndrome (ATS1). Also called: COL4A5-Related Nephropathy; NEPHROPATHY AND DEAFNESS, X-LINKED. Identifiers: Orphanet 63, Orphanet 88917, MedGen C4746986, MONDO:0010520, OMIM 301050.

Submission:

Myriad Genetics, Inc.
Classification: Likely pathogenic for X-linked Alport syndrome. Last evaluated: 2022-02-25. Review status: criteria provided, single submitter. Criteria: Myriad Women's Health Autosomal Recessive and X-Linked Classification Criteria (2021). Collection method: clinical testing. Allele origin: unknown.
Comment: NM_000495.4(COL4A5):c.40_41delTT(L14Tfs*25) is expected to be pathogenic in the context of X-linked Alport syndrome. This variant is predicted to lead to an abnormal or absent protein product due to the creation of a premature termination codon in COL4A5, a gene where loss-of-function variants are known to be pathogenic. Please note: this variant was assessed in the context of healthy population screening.